The following is an entry in ClinVar:

NM_001261826.3(AP3D1):c.2794C>T (p.Pro932Ser)

Gene: AP3D1 (adaptor related protein complex 3 subunit delta 1; minus strand). Cytogenetic location: 19p13.3.
Variant type: single nucleotide variant.
Coding change: c.2794C>T on transcript NM_001261826.3 (MANE Select); coding-DNA position 2794, C replaced by T.
Protein change: p.Pro932Ser; replaces proline 932 with serine.
Molecular consequence: missense variant.
Genome position (GRCh38, 1-based): chr19:2,111,822, G>A on the plus strand (C>T on the coding strand, the complement: AP3D1 is on the minus strand). VCF-style: chr19-2111822-G-A. GRCh37 (hg19) VCF-style: chr19-2111821-G-A.
Other names: c.2758C>T, p.Pro920Ser (NM_001374799.1); c.2608C>T, p.Pro870Ser (NM_003938.8); short protein forms P932S, P870S, P920S.
Identifiers: ClinVar variation 2826357 (VCV002826357.3), dbSNP rs780879347, ClinGen allele CA403204593.
Genomic context (GRCh38, chr19:2,111,822, plus strand): 5'-TCTTCTTGCCTTTGGTCCGCTCCTCCTTCTCCTTCCTGTGCTTCTTCTTCTTAGGCTTGG[G>A]AGATTTCTGGAGCAAGAGGAGGGTCGGGTTCAGTGCCCAGGCTGCTCCAGCACGCCCCCA-3'
Protein context (NP_001248755.1, residues 922-942): AEGQDQDKKS[Pro932Ser]KPKKKKHRKE

ClinVar aggregate classification (germline): Uncertain significance (1 of 4 stars; one submission).

Allele frequency attached by ClinVar (database versions not stated): TOPMed below 0.00001.
gnomAD v4.1: 1 of 1,613,774 alleles (0.000062%); highest among the groups gnomAD compares: East Asian, 0.0022%; no homozygotes.

Submission:

Labcorp Genetics (formerly Invitae), Labcorp
Classification: Uncertain significance. Last evaluated: 2023-10-16. Review status: criteria provided, single submitter. Criteria: Invitae Variant Classification Sherloc (09022015). Collection method: clinical testing. Allele origin: germline.
Comment: This sequence change replaces proline, which is neutral and non-polar, with serine, which is neutral and polar, at codon 932 of the AP3D1 protein (p.Pro932Ser). This variant is not present in population databases (gnomAD no frequency). This variant has not been reported in the literature in individuals affected with AP3D1-related conditions. Algorithms developed to predict the effect of missense changes on protein structure and function output the following: SIFT: "Not Available"; PolyPhen-2: "Benign"; Align-GVGD: "Not Available". The serine amino acid residue is found in multiple mammalian species, which suggests that this missense change does not adversely affect protein function. In summary, the available evidence is currently insufficient to determine the role of this variant in disease. Therefore, it has been classified as a Variant of Uncertain Significance.